The following is an entry in ClinVar:

NM_022124.6(CDH23):c.4359+9C>A

Gene: CDH23 (cadherin related 23; plus strand). Cytogenetic location: 10q22.1.
Variant type: single nucleotide variant.
Coding change: c.4359+9C>A on transcript NM_022124.6 (MANE Select); 9 bases into the intron after coding-DNA position 4359, C replaced by A.
Molecular consequence: intron variant.
Genome position (GRCh38, 1-based): chr10:71,738,656, C>A. VCF-style: chr10-71738656-C-A. GRCh37 (hg19) VCF-style: chr10-73498413-C-A.
Identifiers: ClinVar variation 762627 (VCV000762627.12), dbSNP rs781711209, ClinGen allele CA5545017.
Genomic context (GRCh38, chr10:71,738,656, plus strand): 5'-GCGAGTGGCTACTGTCAAGGCCTGGGACCCTGATGCTGGCAGCAATGGGCAGGTGGGCCA[C>A]CGAGTGAAACAGCCAGGATCCACCATGTCAGCGGGGCTCCCACAGCTCTCACAGCTGGAG-3'

ClinVar aggregate classification (germline): Likely benign. Review status: criteria provided, multiple submitters, no conflicts (2 of 4 stars). 3 submissions from 3 submitters: Likely benign (3). Last evaluated 2026-01-28.

Conditions:
CDH23-related disorder. Also called: CDH23-related disorders; CDH23-related condition.

Allele frequency attached by ClinVar (database versions not stated): ExAC 0.00003; gnomAD 0.00003; gnomAD exomes 0.00003 and 0.00004; TOPMed 0.00005.
gnomAD v4.1: 63 of 1,611,590 alleles (0.0039%); highest among the groups gnomAD compares: Admixed American, 0.0067%; no homozygotes.

Submissions (3):

Labcorp Genetics (formerly Invitae), Labcorp
Classification: Likely benign. Last evaluated: 2026-01-28. Review status: criteria provided, single submitter. Criteria: Invitae Variant Classification Sherloc (09022015). Collection method: clinical testing. Allele origin: germline.

PreventionGenetics, part of Exact Sciences
Classification: Likely benign for CDH23-related condition. Last evaluated: 2025-07-16. Review status: criteria provided, single submitter. Criteria: ACMG Guidelines, 2015. Collection method: clinical testing. Allele origin: germline.
Comment: This variant is classified as likely benign based on ACMG/AMP sequence variant interpretation guidelines (Richards et al. 2015 PMID: 25741868, with internal and published modifications).

Blueprint Genetics
Classification: Likely benign. Last evaluated: 2022-09-05. Review status: criteria provided, single submitter. Criteria: ACMG Guidelines, 2015. Collection method: clinical testing. Allele origin: germline.